The following is an entry in ClinVar:

NM_001136193.2(FASTKD2):c.259G>A (p.Asp87Asn)

Gene: FASTKD2 (FAST kinase domains 2; plus strand). Cytogenetic location: 2q33.3.
Variant type: single nucleotide variant.
Coding change: c.259G>A on transcript NM_001136193.2 (MANE Select); coding-DNA position 259, G replaced by A.
Protein change: p.Asp87Asn; replaces aspartic acid 87 with asparagine.
Molecular consequence: missense variant.
Genome position (GRCh38, 1-based): chr2:206,766,952, G>A. VCF-style: chr2-206766952-G-A. GRCh37 (hg19) VCF-style: chr2-207631676-G-A.
Other names: c.259G>A, p.Asp87Asn (NM_001136194.2, NM_014929.4); short protein forms D87N.
Identifiers: ClinVar variation 2585214 (VCV002585214.1), dbSNP rs1311032943, ClinGen allele CA350069298.
Genomic context (GRCh38, chr2:206,766,952, plus strand): 5'-AGAATGCAATCAACTGATATCATTAGATATCTCTTTCAGGATGCATTCATTTTTAAATCA[G>A]ATGTTGGCTTTCAAACAAAGGGCATAAGCACTCTAACAGCCCTTAGAATTGAAAGACTAC-3'
Protein context (NP_001129665.1, residues 77-97): LFQDAFIFKS[Asp87Asn]VGFQTKGIST

ClinVar aggregate classification (germline): Uncertain significance (1 of 4 stars; one submission).

Conditions:
Combined oxidative phosphorylation deficiency 44. Also called: FASTKD2-Related Combined Oxidative Phosphorylation Deficiency. Identifiers: MedGen C5394293, MONDO:0030020, OMIM 618855.

Allele frequency attached by ClinVar (database versions not stated): gnomAD exomes 0.00001.
gnomAD v4.1: 13 of 1,606,910 alleles (0.00081%); highest among the groups gnomAD compares: South Asian, 0.013%; no homozygotes.

Submission:

Neuberg Centre For Genomic Medicine, NCGM
Classification: Uncertain significance for Combined oxidative phosphorylation deficiency 44. Review status: criteria provided, single submitter. Criteria: ACMG Guidelines, 2015. Collection method: clinical testing. Allele origin: germline. Inheritance: Autosomal recessive inheritance. Affected: yes.
Comment: The missense variant p.D87N in FASTKD2 (NM_001136193.2) has not been reported previously as a pathogenic variant nor as a benign variant, to our knowledge. The p.D87N variant has a gnomAD frequency of 0.0008037 %. There is a small physicochemical difference between aspartic acid and asparagine, which is not likely to impact secondary protein structure as these residues share similar properties. In silico tools predict the variant to be tolerated. The residue is conserved across species. The amino acid change p.Asp87Asn in FASTKD2 is predicted as conserved by GERP++ and PhyloP across 100 vertebrates. For these reasons, this variant has been classified as Uncertain Significance.